The following is an entry in ClinVar:

NM_005045.4(RELN):c.6352C>G (p.Pro2118Ala)

Gene: RELN (reelin; minus strand). Cytogenetic location: 7q22.1.
Variant type: single nucleotide variant.
Coding change: c.6352C>G on transcript NM_005045.4 (MANE Select); coding-DNA position 6352, C replaced by G.
Protein change: p.Pro2118Ala; replaces proline 2118 with alanine.
Molecular consequence: missense variant.
Genome position (GRCh38, 1-based): chr7:103,545,295, G>C on the plus strand (C>G on the coding strand, the complement: RELN is on the minus strand). VCF-style: chr7-103545295-G-C. GRCh37 (hg19) VCF-style: chr7-103185742-G-C.
Other names: c.6352C>G, p.Pro2118Ala (NM_173054.3); short protein forms P2118A.
Identifiers: ClinVar variation 1362229 (VCV001362229.7), dbSNP rs2117140020, ClinGen allele CA368771207.

ClinVar aggregate classification (germline): Uncertain significance. Review status: criteria provided, multiple submitters, no conflicts (2 of 4 stars). 2 submissions from 2 submitters: Uncertain significance (2). Last evaluated 2024-04-12.

Conditions:
Familial temporal lobe epilepsy 7. Identifiers: Orphanet 101046, MedGen C4225327, MONDO:0014639, OMIM 616436.
Norman-Roberts syndrome (LIS2). Also called: Lissencephaly 2 (Norman-Roberts type). Identifiers: Orphanet 89844, MedGen C0796089, MONDO:0009760, OMIM 257320.

Allele frequency attached by ClinVar (database versions not stated): gnomAD exomes below 0.00001.
gnomAD v4.1: 2 of 1,614,136 alleles (0.00012%); highest among the groups gnomAD compares: Non-Finnish European, 0.00017%; no homozygotes.

Submissions (2):

Labcorp Genetics (formerly Invitae), Labcorp
Classification: Uncertain significance for Familial temporal lobe epilepsy 7; Norman-Roberts syndrome. Last evaluated: 2024-04-12. Review status: criteria provided, single submitter. Criteria: Invitae Variant Classification Sherloc (09022015). Collection method: clinical testing. Allele origin: germline.
Comment: This sequence change replaces proline, which is neutral and non-polar, with alanine, which is neutral and non-polar, at codon 2118 of the RELN protein (p.Pro2118Ala). This variant is not present in population databases (gnomAD no frequency). This variant has not been reported in the literature in individuals affected with RELN-related conditions. ClinVar contains an entry for this variant (Variation ID: 1362229). Advanced modeling of protein sequence and biophysical properties (such as structural, functional, and spatial information, amino acid conservation, physicochemical variation, residue mobility, and thermodynamic stability) performed at Invitae indicates that this missense variant is not expected to disrupt RELN protein function with a negative predictive value of 80%. In summary, the available evidence is currently insufficient to determine the role of this variant in disease. Therefore, it has been classified as a Variant of Uncertain Significance.

Blueprint Genetics
Classification: Uncertain significance. Last evaluated: 2023-10-24. Review status: criteria provided, single submitter. Criteria: ACMG Guidelines, 2015. Collection method: clinical testing. Allele origin: germline.